The following is an entry in ClinVar:

ClinVar aggregate classification (germline): Uncertain significance. Review status: criteria provided, multiple submitters, no conflicts (2 of 4 stars). 2 submissions from 2 submitters: Uncertain significance (2). Last evaluated 2025-09-07.

Conditions:
Inborn genetic diseases. Identifiers: MedGen C0950123, MeSH D030342.

Allele frequency attached by ClinVar (database versions not stated): ExAC 0.00005; gnomAD exomes 0.00005 and 0.00009; TOPMed 0.00008; gnomAD 0.00010; 1000 Genomes Project 0.00020; ESP Exome Variant Server 0.00022; 1000 Genomes Project 30x 0.00031.
gnomAD v4.1: 138 of 1,550,626 alleles (0.0089%); highest among the groups gnomAD compares: Non-Finnish European, 0.012%; no homozygotes.

Submissions (2):

Labcorp Genetics (formerly Invitae), Labcorp
Classification: Uncertain significance. Last evaluated: 2025-09-07. Review status: criteria provided, single submitter. Criteria: Invitae Variant Classification Sherloc (09022015). Collection method: clinical testing. Allele origin: germline.
Comment: This sequence change replaces arginine, which is basic and polar, with glutamine, which is neutral and polar, at codon 396 of the ZSWIM6 protein (p.Arg396Gln). This variant is present in population databases (rs373448587, gnomAD 0.01%). This variant has not been reported in the literature in individuals affected with ZSWIM6-related conditions. ClinVar contains an entry for this variant (Variation ID: 1441127). Invitae Evidence Modeling of protein sequence and biophysical properties (such as structural, functional, and spatial information, amino acid conservation, physicochemical variation, residue mobility, and thermodynamic stability) indicates that this missense variant is not expected to disrupt ZSWIM6 protein function with a negative predictive value of 80%. In summary, the available evidence is currently insufficient to determine the role of this variant in disease. Therefore, it has been classified as a Variant of Uncertain Significance.

Ambry Genetics
Classification: Uncertain significance for Inborn genetic diseases. Last evaluated: 2024-10-11. Review status: criteria provided, single submitter. Criteria: Ambry Variant Classification Scheme 2023. Collection method: clinical testing. Allele origin: germline.

NM_020928.2(ZSWIM6):c.1187G>A (p.Arg396Gln)

Gene: ZSWIM6 (zinc finger SWIM-type containing 6; plus strand). Cytogenetic location: 5q12.1.
Variant type: single nucleotide variant.
Coding change: c.1187G>A on transcript NM_020928.2 (MANE Select); coding-DNA position 1187, G replaced by A.
Protein change: p.Arg396Gln; replaces arginine 396 with glutamine.
Molecular consequence: missense variant.
Genome position (GRCh38, 1-based): chr5:61,494,264, G>A. VCF-style: chr5-61494264-G-A. GRCh37 (hg19) VCF-style: chr5-60790091-G-A.
Other names: c.1187G>A (NM_020928.1); short protein forms R396Q.
Identifiers: ClinVar variation 1441127 (VCV001441127.10), dbSNP rs373448587, ClinGen allele CA3278340.